The following is an entry in ClinVar:

NM_022460.4(HS1BP3):c.338A>G (p.Asn113Ser)

Gene: HS1BP3 (HCLS1 binding protein 3; minus strand). Cytogenetic location: 2p24.1.
Variant type: single nucleotide variant.
Coding change: c.338A>G on transcript NM_022460.4 (MANE Select); coding-DNA position 338, A replaced by G.
Protein change: p.Asn113Ser; replaces asparagine 113 with serine.
Molecular consequence: missense variant.
Genome position (GRCh38, 1-based): chr2:20,641,041, T>C on the plus strand (A>G on the coding strand, the complement: HS1BP3 is on the minus strand). VCF-style: chr2-20641041-T-C. GRCh37 (hg19) VCF-style: chr2-20840801-T-C.
Other names: NC_000002.11:g.20840801T>C; short protein forms N113S.
Identifiers: ClinVar variation 4508654 (VCV004508654.7).

ClinVar aggregate classification (germline): Likely benign (1 of 4 stars; one submission).

gnomAD v4.1: 926 of 1,614,158 alleles (0.057%); highest among the groups gnomAD compares: South Asian, 0.93%; 15 homozygotes.

Submissions (3):

CeGaT Center for Human Genetics Tuebingen
Classification: Likely benign. Last evaluated: 2025-11-01. Review status: criteria provided, single submitter. Criteria: CeGaT Center For Human Genetics Tuebingen Variant Classification Criteria Version 2. Collection method: clinical testing. Allele origin: germline. Affected: yes. Observed: 1 variant allele.
Comment: HS1BP3: BP4, BS2

Dr. Peter K. Rogan Lab, Western University
No classification provided (evidence only). Condition: Gastric cancer. Review status: no classification provided. Collection method: in vitro. Allele origin: not applicable. Functional consequence: retained intron. Not counted in ClinVar's aggregate classification.

Dr. Peter K. Rogan Lab, Western University
No classification provided (evidence only). Condition: Gastric cancer. Review status: no classification provided. Collection method: in vitro. Allele origin: not applicable. Functional consequence: retained intron. Not counted in ClinVar's aggregate classification.